The following is an entry in ClinVar:

ClinVar aggregate classification (germline): Conflicting classifications of pathogenicity. Review status: criteria provided, conflicting classifications (1 of 4 stars). 2 submissions from 2 submitters: Uncertain significance (1); Likely benign (1). Last evaluated 2023-11-27.

Allele frequency attached by ClinVar (database versions not stated): gnomAD 0.00009 and 0.00011; TOPMed 0.00010; 1000 Genomes Project 30x 0.00047; 1000 Genomes Project 0.00060.
gnomAD v4.1: 53 of 1,613,892 alleles (0.0033%); highest among the groups gnomAD compares: East Asian, 0.1%; no homozygotes.

Submissions (2):

Labcorp Genetics (formerly Invitae), Labcorp
Classification: Uncertain significance. Last evaluated: 2023-11-27. Review status: criteria provided, single submitter. Criteria: Invitae Variant Classification Sherloc (09022015). Collection method: clinical testing. Allele origin: germline.
Comment: This sequence change falls in intron 17 of the TRPM1 gene. It does not directly change the encoded amino acid sequence of the TRPM1 protein. It affects a nucleotide within the consensus splice site. This variant is present in population databases (rs530699329, gnomAD 0.2%). This variant has not been reported in the literature in individuals affected with TRPM1-related conditions. ClinVar contains an entry for this variant (Variation ID: 850185). Variants that disrupt the consensus splice site are a relatively common cause of aberrant splicing (PMID: 17576681, 9536098). Algorithms developed to predict the effect of sequence changes on RNA splicing suggest that this variant is not likely to affect RNA splicing. In summary, the available evidence is currently insufficient to determine the role of this variant in disease. Therefore, it has been classified as a Variant of Uncertain Significance.

Blueprint Genetics
Classification: Likely benign. Last evaluated: 2023-05-03. Review status: criteria provided, single submitter. Criteria: ACMG Guidelines, 2015. Collection method: clinical testing. Allele origin: germline.

Literature cited by the submitters: PubMed 17576681 (cited by Labcorp Genetics (formerly Invitae), Labcorp); PubMed 9536098 (cited by Labcorp Genetics (formerly Invitae), Labcorp).

NM_001252024.2(TRPM1):c.2316+4C>G

Gene: TRPM1 (transient receptor potential cation channel subfamily M member 1; minus strand). Cytogenetic location: 15q13.3.
Variant type: single nucleotide variant.
Coding change: c.2316+4C>G on transcript NM_001252024.2 (MANE Select); 4 bases into the intron after coding-DNA position 2316, C replaced by G.
Molecular consequence: intron variant.
Genome position (GRCh38, 1-based): chr15:31,040,114, G>C on the plus strand (C>G on the coding strand, the complement: TRPM1 is on the minus strand). VCF-style: chr15-31040114-G-C. GRCh37 (hg19) VCF-style: chr15-31332317-G-C.
Other names: c.2367+4C>G (NM_001252020.2); c.2250+4C>G (NM_002420.6).
Identifiers: ClinVar variation 850185 (VCV000850185.7), dbSNP rs530699329, ClinGen allele CA7452262.